The following is an entry in ClinVar:

NM_001035.3(RYR2):c.782A>G (p.His261Arg)

Gene: RYR2 (ryanodine receptor 2; plus strand). Cytogenetic location: 1q43.
Variant type: single nucleotide variant.
Coding change: c.782A>G on transcript NM_001035.3 (MANE Select); coding-DNA position 782, A replaced by G.
Protein change: p.His261Arg; replaces histidine 261 with arginine.
Molecular consequence: missense variant.
Genome position (GRCh38, 1-based): chr1:237,417,057, A>G. VCF-style: chr1-237417057-A-G. GRCh37 (hg19) VCF-style: chr1-237580357-A-G.
Other names: c.782A>G, p.His261Arg (LRG_402t1); short protein forms H261R.
Identifiers: ClinVar variation 640529 (VCV000640529.21), dbSNP rs577416427, ClinGen allele CA087516.

ClinVar aggregate classification (germline): Uncertain significance. Review status: criteria provided, multiple submitters, no conflicts (2 of 4 stars). 9 submissions from 9 submitters: Uncertain significance (7). 2 of the submissions do not count toward it. Last evaluated 2025-06-25.

Conditions:
Ventricular arrhythmias due to cardiac ryanodine receptor calcium release deficiency syndrome. Also called: Autosomal dominant cardiac arrhythmia (Kuhn). Identifiers: MedGen C5542154, MONDO:0020745, OMIM 115000.
Catecholaminergic polymorphic ventricular tachycardia (CVPT). Also called: Catecholamine-induced polymorphic ventricular tachycardia. Identifiers: Orphanet 3286, MedGen C5574922, MONDO:0017990.
Cardiovascular phenotype. Identifiers: MedGen CN230736.
Cardiomyopathy (CMYO). Also called: Cardiomyopathies. Identifiers: Orphanet 167848, MedGen C0878544, MONDO:0004994, HP:0001638. Inheritance: Various modes of inheritance.
Catecholaminergic polymorphic ventricular tachycardia 1. Also called: RYR2-Related Catecholaminergic Polymorphic Ventricular Tachycardia; VENTRICULAR TACHYCARDIA, CATECHOLAMINERGIC POLYMORPHIC, 1, WITH OR WITHOUT ATRIAL DYSFUNCTION AND/OR DILATED CARDIOMYOPATHY; VENTRICULAR TACHYCARDIA, STRESS-INDUCED POLYMORPHIC 1. Identifiers: Orphanet 3286, MedGen C1631597, MONDO:0011484, OMIM 604772.
Arrhythmogenic right ventricular dysplasia 2. Identifiers: MedGen C1832931.

Allele frequency attached by ClinVar (database versions not stated): ExAC 0.00001; gnomAD exomes 0.00001 and 0.00003; gnomAD 0.00002; TOPMed 0.00002.
gnomAD v4.1: 39 of 1,613,756 alleles (0.0024%); highest among the groups gnomAD compares: Non-Finnish European, 0.0033%; no homozygotes.

Submissions (9):

Color Diagnostics, LLC DBA Color Health
Classification: Uncertain significance for Cardiomyopathy. Last evaluated: 2025-06-25. Review status: criteria provided, single submitter. Criteria: ACMG Guidelines, 2015. Collection method: clinical testing. Allele origin: germline.
Comment: This missense variant replaces histidine with arginine at codon 261 of the RYR2 protein. Computational prediction suggests that this variant may have deleterious impact on protein structure and function. To our knowledge, functional studies have not been reported for this variant. This variant has not been reported in individuals affected with RYR2-related disorders in the literature. This variant has been identified in 2/249098 chromosomes in the general population by the Genome Aggregation Database (gnomAD). The available evidence is insufficient to determine the role of this variant in disease conclusively. Therefore, this variant is classified as a Variant of Uncertain Significance.

Labcorp Genetics (formerly Invitae), Labcorp
Classification: Uncertain significance for Catecholaminergic polymorphic ventricular tachycardia 1. Last evaluated: 2024-12-24. Review status: criteria provided, single submitter. Criteria: Invitae Variant Classification Sherloc (09022015). Collection method: clinical testing. Allele origin: germline.
Comment: This sequence change replaces histidine, which is basic and polar, with arginine, which is basic and polar, at codon 261 of the RYR2 protein (p.His261Arg). This variant is present in population databases (rs577416427, gnomAD 0.002%). This variant has not been reported in the literature in individuals affected with RYR2-related conditions. ClinVar contains an entry for this variant (Variation ID: 640529). Invitae Evidence Modeling of protein sequence and biophysical properties (such as structural, functional, and spatial information, amino acid conservation, physicochemical variation, residue mobility, and thermodynamic stability) indicates that this missense variant is not expected to disrupt RYR2 protein function with a negative predictive value of 95%. In summary, the available evidence is currently insufficient to determine the role of this variant in disease. Therefore, it has been classified as a Variant of Uncertain Significance.

KardioGenetik, Herz- und Diabeteszentrum NRW
Classification: Uncertain significance for Ventricular arrhythmias due to cardiac ryanodine receptor calcium release deficiency syndrome. Last evaluated: 2024-06-07. Review status: criteria provided, single submitter. Criteria: ACMG Guidelines, 2015. Collection method: clinical testing. Allele origin: unknown. Affected: yes. Observed: 1 variant allele.
Comment: ACMG Criteria: PP3_moderate

Ambry Genetics
Classification: Uncertain significance for Cardiovascular phenotype. Last evaluated: 2023-12-07. Review status: criteria provided, single submitter. Criteria: Ambry Variant Classification Scheme 2023. Collection method: clinical testing. Allele origin: germline.
Comment: The p.H261R variant (also known as c.782A>G), located in coding exon 11 of the RYR2 gene, results from an A to G substitution at nucleotide position 782. The histidine at codon 261 is replaced by arginine, an amino acid with highly similar properties. This amino acid position is highly conserved in available vertebrate species. In addition, this alteration is predicted to be deleterious by in silico analysis. Since supporting evidence is limited at this time, the clinical significance of this alteration remains unclear.

All of Us Research Program, National Institutes of Health
Classification: Uncertain significance for Catecholaminergic polymorphic ventricular tachycardia. Last evaluated: 2023-06-08. Review status: criteria provided, single submitter. Criteria: ACMG Guidelines, 2015. Collection method: clinical testing. Allele origin: germline. Inheritance: Autosomal dominant inheritance. Observed: 2 variant alleles, 2 heterozygotes.
Comment: This missense variant replaces histidine with arginine at codon 261 of the RYR2 protein. Computational prediction suggests that this variant may have deleterious impact on protein structure and function (internally defined REVEL score threshold >= 0.7, PMID: 27666373). To our knowledge, functional studies have not been reported for this variant. This variant has not been reported in individuals affected with cardiovascular disorders in the literature. This variant has been identified in 2/249098 chromosomes in the general population by the Genome Aggregation Database (gnomAD). The available evidence is insufficient to determine the role of this variant in disease conclusively. Therefore, this variant is classified as a Variant of Uncertain Significance.

This study involves interpretation of variants in research participants for the purpose of population health screening. Participant phenotype was not available at the time of variant classification. Additional details can be found in publication PMID: 35346344, PMCID: PMC8962531

Blueprint Genetics
Classification: Uncertain significance. Last evaluated: 2022-08-09. Review status: criteria provided, single submitter. Criteria: ACMG Guidelines, 2015. Collection method: clinical testing. Allele origin: germline.

Fulgent Genetics
Classification: Uncertain significance for Ventricular arrhythmias due to cardiac ryanodine receptor calcium release deficiency syndrome; Catecholaminergic polymorphic ventricular tachycardia 1. Last evaluated: 2021-09-23. Review status: criteria provided, single submitter. Criteria: ACMG Guidelines, 2015. Collection method: clinical testing. Allele origin: unknown.

Clinical Genetics, Academic Medical Center
Classification: Uncertain significance. Review status: no assertion criteria provided. Collection method: clinical testing. Allele origin: germline. Affected: yes. Study: VKGL Data-share Consensus. Not counted in ClinVar's aggregate classification.

Diagnostic Laboratory, Department of Genetics, University Medical Center Groningen
Classification: Uncertain significance. Review status: no assertion criteria provided. Collection method: clinical testing. Allele origin: germline. Affected: yes. Study: VKGL Data-share Consensus. Not counted in ClinVar's aggregate classification.

Literature cited by the submitters: PubMed 28404607 (cited by Ambry Genetics).